The following is an entry in ClinVar:

NM_001130823.3(DNMT1):c.2851G>A (p.Val951Ile)

Gene: DNMT1 (DNA methyltransferase 1; minus strand). Cytogenetic location: 19p13.2.
Variant type: single nucleotide variant.
Coding change: c.2851G>A on transcript NM_001130823.3 (MANE Select); coding-DNA position 2851, G replaced by A.
Protein change: p.Val951Ile; replaces valine 951 with isoleucine.
Molecular consequence: missense variant.
Genome position (GRCh38, 1-based): chr19:10,146,394, C>T on the plus strand (G>A on the coding strand, the complement: DNMT1 is on the minus strand). VCF-style: chr19-10146394-C-T. GRCh37 (hg19) VCF-style: chr19-10257070-C-T.
Other names: c.2803G>A, p.Val935Ile (NM_001318730.2, NM_001379.4); c.2488G>A, p.Val830Ile (NM_001318731.2); short protein forms V830I, V935I, V951I.
Identifiers: ClinVar variation 1314178 (VCV001314178.2), dbSNP rs2145283133, ClinGen allele CA403976177.

ClinVar aggregate classification (germline): Uncertain significance (1 of 4 stars; one submission).

Allele frequency attached by ClinVar (database versions not stated): gnomAD exomes below 0.00001.

Submission:

GeneDx
Classification: Uncertain significance. Last evaluated: 2021-03-03. Review status: criteria provided, single submitter. Criteria: GeneDx Variant Classification Process June 2021. Collection method: clinical testing. Allele origin: germline. Affected: yes.
Comment: Not observed in large population cohorts (Lek et al., 2016); In silico analysis supports that this missense variant does not alter protein structure/function; Has not been previously published as pathogenic or benign to our knowledge